The following is an entry in ClinVar:

ClinVar aggregate classification (germline): Uncertain significance (1 of 4 stars; one submission).

Submission:

Labcorp Genetics (formerly Invitae), Labcorp
Classification: Uncertain significance. Last evaluated: 2024-12-03. Review status: criteria provided, single submitter. Criteria: Invitae Variant Classification Sherloc (09022015). Collection method: clinical testing. Allele origin: germline.
Comment: This sequence change replaces lysine, which is basic and polar, with arginine, which is basic and polar, at codon 5338 of the HMCN1 protein (p.Lys5338Arg). This variant is not present in population databases (gnomAD no frequency). This variant has not been reported in the literature in individuals affected with HMCN1-related conditions. An algorithm developed to predict the effect of missense changes on protein structure and function outputs the following: PolyPhen-2: "Probably Damaging". The arginine amino acid residue is found in multiple mammalian species, which suggests that this missense change does not adversely affect protein function. In summary, the available evidence is currently insufficient to determine the role of this variant in disease. Therefore, it has been classified as a Variant of Uncertain Significance.

NM_031935.3(HMCN1):c.16013A>G (p.Lys5338Arg)

Gene: HMCN1 (hemicentin 1; plus strand). Cytogenetic location: 1q31.1.
Variant type: single nucleotide variant.
Coding change: c.16013A>G on transcript NM_031935.3 (MANE Select); coding-DNA position 16013, A replaced by G.
Protein change: p.Lys5338Arg; replaces lysine 5338 with arginine.
Molecular consequence: missense variant.
Genome position (GRCh38, 1-based): chr1:186,178,485, A>G. VCF-style: chr1-186178485-A-G. GRCh37 (hg19) VCF-style: chr1-186147617-A-G.
Other names: short protein forms K5338R.
Identifiers: ClinVar variation 3631856 (VCV003631856.2).
Genomic context (GRCh38, chr1:186,178,485, plus strand): 5'-AATGTGAACAAGTGCCTAAACCTTGTGCACATCAGTGCTCCAACACCCCCGGCAGCTTCA[A>G]GTGTATCTGTCCACCAGGACAACATTTATTAGGGGACGGGAAATCTTGCGCTGGATTGGA-3'
Protein context (NP_114141.2, residues 5328-5348): HQCSNTPGSF[Lys5338Arg]CICPPGQHLL